The following is an entry in ClinVar:

NM_032119.4(ADGRV1):c.1352C>T (p.Pro451Leu)

Gene: ADGRV1 (adhesion G protein-coupled receptor V1; plus strand). Cytogenetic location: 5q14.3.
Variant type: single nucleotide variant.
Coding change: c.1352C>T on transcript NM_032119.4 (MANE Select); coding-DNA position 1352, C replaced by T.
Protein change: p.Pro451Leu; replaces proline 451 with leucine.
Molecular consequence: missense variant. On other transcripts: non-coding transcript variant (1).
Genome position (GRCh38, 1-based): chr5:90,628,675, C>T. VCF-style: chr5-90628675-C-T. GRCh37 (hg19) VCF-style: chr5-89924492-C-T.
Other names: c.1352C>T (NM_032119.3); short protein forms P451L.
Identifiers: ClinVar variation 1345888 (VCV001345888.5), dbSNP rs1438323109, ClinGen allele CA360372195.

ClinVar aggregate classification (germline): Uncertain significance. Review status: criteria provided, multiple submitters, no conflicts (2 of 4 stars). 2 submissions from 2 submitters: Uncertain significance (2). Last evaluated 2024-02-23.

Conditions:
Inborn genetic diseases. Identifiers: MedGen C0950123, MeSH D030342.

Allele frequency attached by ClinVar (database versions not stated): gnomAD exomes below 0.00001; gnomAD 0.00001.
gnomAD v4.1: 6 of 1,613,862 alleles (0.00037%); highest among the groups gnomAD compares: Admixed American, 0.0033%; no homozygotes.

Submissions (2):

Labcorp Genetics (formerly Invitae), Labcorp
Classification: Uncertain significance. Last evaluated: 2024-02-23. Review status: criteria provided, single submitter. Criteria: Invitae Variant Classification Sherloc (09022015). Collection method: clinical testing. Allele origin: germline.
Comment: This sequence change replaces proline, which is neutral and non-polar, with leucine, which is neutral and non-polar, at codon 451 of the ADGRV1 protein (p.Pro451Leu). This variant is not present in population databases (gnomAD no frequency). This variant has not been reported in the literature in individuals affected with ADGRV1-related conditions. ClinVar contains an entry for this variant (Variation ID: 1345888). Advanced modeling of protein sequence and biophysical properties (such as structural, functional, and spatial information, amino acid conservation, physicochemical variation, residue mobility, and thermodynamic stability) performed at Invitae indicates that this missense variant is not expected to disrupt ADGRV1 protein function with a negative predictive value of 95%. In summary, the available evidence is currently insufficient to determine the role of this variant in disease. Therefore, it has been classified as a Variant of Uncertain Significance.

Ambry Genetics
Classification: Uncertain significance for Inborn genetic diseases. Last evaluated: 2023-07-17. Review status: criteria provided, single submitter. Criteria: Ambry Variant Classification Scheme 2023. Collection method: clinical testing. Allele origin: germline.